The following is an entry in ClinVar:

ClinVar aggregate classification (germline): Likely benign (0 of 4 stars; one submission).

Conditions:
NINL-related disorder. Also called: NINL-related condition.

Allele frequency attached by ClinVar (database versions not stated): ExAC 0.00038; gnomAD 0.00039; ESP Exome Variant Server 0.00054; TOPMed 0.00067; 1000 Genomes Project 0.00140; 1000 Genomes Project 30x 0.00156.
gnomAD v4.1: 836 of 1,612,124 alleles (0.052%); highest among the groups gnomAD compares: Admixed American, 0.22%; 1 homozygote.

Submission:

PreventionGenetics, part of Exact Sciences
Classification: Likely benign for NINL-related condition. Last evaluated: 2022-02-13. Review status: no assertion criteria provided. Collection method: clinical testing. Allele origin: germline.
Comment: This variant is classified as likely benign based on ACMG/AMP sequence variant interpretation guidelines (Richards et al. 2015 PMID: 25741868, with internal and published modifications).

NM_025176.6(NINL):c.2372C>T (p.Ala791Val)

Gene: NINL (ninein like; minus strand). Cytogenetic location: 20p11.21.
Variant type: single nucleotide variant.
Coding change: c.2372C>T on transcript NM_025176.6 (MANE Select); coding-DNA position 2372, C replaced by T.
Protein change: p.Ala791Val; replaces alanine 791 with valine.
Molecular consequence: missense variant. On other transcripts: intron variant (1).
Genome position (GRCh38, 1-based): chr20:25,476,919, G>A on the plus strand (C>T on the coding strand, the complement: NINL is on the minus strand). VCF-style: chr20-25476919-G-A. GRCh37 (hg19) VCF-style: chr20-25457555-G-A.
Other names: c.2201+2004C>T (NM_001318226.2); short protein forms A791V.
Identifiers: ClinVar variation 3047302 (VCV003047302.2), dbSNP rs141954162, ClinGen allele CA9797326.